The following is an entry in ClinVar:

ClinVar aggregate classification (germline): Uncertain significance. Review status: criteria provided, multiple submitters, no conflicts (2 of 4 stars). 2 submissions from 2 submitters: Uncertain significance (2). Last evaluated 2025-04-11.

Conditions:
Cardiovascular phenotype. Identifiers: MedGen CN230736.

Allele frequency attached by ClinVar (database versions not stated): gnomAD exomes below 0.00001; TOPMed below 0.00001.
gnomAD v4.1: 2 of 1,612,438 alleles (0.00012%); highest among the groups gnomAD compares: Admixed American, 0.0033%; no homozygotes.

Submissions (2):

Revvity Omics, Revvity
Classification: Uncertain significance. Last evaluated: 2025-04-11. Review status: criteria provided, single submitter. Criteria: ACMG Guidelines, 2015. Collection method: clinical testing. Allele origin: germline.

Ambry Genetics
Classification: Uncertain significance for Cardiovascular phenotype. Last evaluated: 2020-08-18. Review status: criteria provided, single submitter. Criteria: Ambry Variant Classification Scheme 2023. Collection method: clinical testing. Allele origin: germline.
Comment: The p.D7017G variant (also known as c.21050A>G), located in coding exon 84 of the TTN gene, results from an A to G substitution at nucleotide position 21050. The aspartic acid at codon 7017 is replaced by glycine, an amino acid with similar properties. This amino acid position is highly conserved in available vertebrate species. In addition, this alteration is predicted to be tolerated by in silico analysis. Since supporting evidence is limited at this time, the clinical significance of this alteration remains unclear.

NM_001267550.2(TTN):c.48245A>G (p.Asp16082Gly)

Genes: TTN (titin; minus strand), TTN-AS1 (TTN antisense RNA 1; plus strand). Cytogenetic location: 2q31.2.
Variant type: single nucleotide variant.
Coding change: c.48245A>G on transcript NM_001267550.2 (MANE Select); coding-DNA position 48245, A replaced by G.
Protein change: p.Asp16082Gly; replaces aspartic acid 16082 with glycine.
Molecular consequence: missense variant.
Genome position (GRCh38, 1-based): chr2:178,616,546, T>C on the plus strand (A>G on the coding strand, the complement: TTN is on the minus strand). VCF-style: chr2-178616546-T-C. GRCh37 (hg19) VCF-style: chr2-179481273-T-C.
Other names: c.43322A>G, p.Asp14441Gly (NM_001256850.1); c.21050A>G, p.Asp7017Gly (NM_003319.4); c.40541A>G, p.Asp13514Gly (NM_133378.4); c.21425A>G, p.Asp7142Gly (NM_133432.3); c.21626A>G, p.Asp7209Gly (NM_133437.4); short protein forms D14441G, D7017G, D7142G, D13514G, D16082G, D7209G.
Identifiers: ClinVar variation 1785971 (VCV001785971.3), dbSNP rs1468269495, ClinGen allele CA349611562.